The following is an entry in ClinVar:

NM_001374385.1(ATP8B1):c.1525G>A (p.Asp509Asn)

Gene: ATP8B1 (ATPase phospholipid transporting 8B1; minus strand). Cytogenetic location: 18q21.31.
Variant type: single nucleotide variant.
Coding change: c.1525G>A on transcript NM_001374385.1 (MANE Select); coding-DNA position 1525, G replaced by A.
Protein change: p.Asp509Asn; replaces aspartic acid 509 with asparagine.
Molecular consequence: missense variant.
Genome position (GRCh38, 1-based): chr18:57,684,141, C>T on the plus strand (G>A on the coding strand, the complement: ATP8B1 is on the minus strand). VCF-style: chr18-57684141-C-T. GRCh37 (hg19) VCF-style: chr18-55351373-C-T.
Other names: c.1375G>A, p.Asp459Asn (NM_001374386.1); c.1525G>A, p.Asp509Asn (NM_005603.6); short protein forms D509N, D459N.
Identifiers: ClinVar variation 2096547 (VCV002096547.2), dbSNP rs766125810, ClinGen allele CA8974537.

ClinVar aggregate classification (germline): Uncertain significance (1 of 4 stars; one submission).

Allele frequency attached by ClinVar (database versions not stated): ExAC 0.00001; gnomAD exomes below 0.00001.

Submission:

Labcorp Genetics (formerly Invitae), Labcorp
Classification: Uncertain significance. Last evaluated: 2026-01-26. Review status: criteria provided, single submitter. Criteria: Invitae Variant Classification Sherloc (09022015). Collection method: clinical testing. Allele origin: germline.
Comment: This sequence change replaces aspartic acid, which is acidic and polar, with asparagine, which is neutral and polar, at codon 509 of the ATP8B1 protein (p.Asp509Asn). This variant is present in population databases (rs766125810, gnomAD 0.006%). This variant has not been reported in the literature in individuals affected with ATP8B1-related conditions. ClinVar contains an entry for this variant (Variation ID: 2096547). Invitae Evidence Modeling of protein sequence and biophysical properties (such as structural, functional, and spatial information, amino acid conservation, physicochemical variation, residue mobility, and thermodynamic stability) indicates that this missense variant is not expected to disrupt ATP8B1 protein function with a negative predictive value of 80%. In summary, the available evidence is currently insufficient to determine the role of this variant in disease. Therefore, it has been classified as a Variant of Uncertain Significance.